The following is an entry in ClinVar:

ClinVar aggregate classification (germline): Conflicting classifications of pathogenicity. Review status: criteria provided, conflicting classifications (1 of 4 stars). 3 submissions from 3 submitters: Pathogenic (1); Likely pathogenic (1); Uncertain significance (1). Last evaluated 2023-02-28.

Conditions:
SDCCAG8-related disorder. Also called: SDCCAG8-related condition; SDCCAG8-Related Disorders.
Bardet-Biedl syndrome 16 (BBS16). Identifiers: Orphanet 110, MedGen C3889474, MONDO:0014444, OMIM 615993.
Senior-Loken syndrome 7 (SLSN7). Identifiers: Orphanet 3156, MedGen C3150877, MONDO:0013326, OMIM 613615.
Focal segmental glomerulosclerosis (FSGS). Also called: Glomerulosclerosis, focal; Focal sclerosis with hyalinosis. Identifiers: MedGen C0017668, MONDO:0100313, HP:0000097. Disease mechanism: loss of function.

Allele frequency attached by ClinVar (database versions not stated): gnomAD exomes below 0.00001; TOPMed below 0.00001; gnomAD 0.00001.

Submissions (3):

PreventionGenetics, part of Exact Sciences
Classification: Uncertain significance for SDCCAG8-related condition. Last evaluated: 2023-02-28. Review status: criteria provided, single submitter. Criteria: ACMG Guidelines, 2015. Collection method: clinical testing. Allele origin: germline.
Comment: The SDCCAG8 c.99_100delAT variant is predicted to result in a frameshift and premature protein termination (p.Ala35Profs*18). Although frameshift variants in SDCCAG8 have been documented as pathogenic, nearly all occur downstream of this variant and none have been documented in this exon. To our knowledge, this variant has not been reported in the literature. This variant has not been reported in a large population database, indicating this variant is rare. Although we suspect that this variant may be pathogenic, at this time, the clinical significance of this variant is uncertain due to the absence of conclusive functional and genetic evidence.

Fulgent Genetics
Classification: Pathogenic for Senior-Loken syndrome 7; Bardet-Biedl syndrome 16. Last evaluated: 2021-06-30. Review status: criteria provided, single submitter. Criteria: ACMG Guidelines, 2015. Collection method: clinical testing. Allele origin: unknown.
Comment: This variant has been detected in individual(s) who were sent for testing of Renasight - kidney gene panel.

Genome Diagnostics Laboratory, The Hospital for Sick Children
Classification: Likely pathogenic for Focal segmental glomerulosclerosis. Last evaluated: 2020-04-01. Review status: criteria provided, single submitter. Criteria: ACMG Guidelines, 2015. Collection method: clinical testing. Allele origin: germline.

NM_006642.5(SDCCAG8):c.99_100del (p.Ala35fs)

Gene: SDCCAG8 (SHH signaling and ciliogenesis regulator SDCCAG8; plus strand). Cytogenetic location: 1q43.
Variant type: Deletion.
Coding change: c.99_100del on transcript NM_006642.5 (MANE Select); coding-DNA positions 99 to 100, 2 bases deleted (AT; older notation c.99_100delAT).
Protein change: p.Ala35fs; shifts the reading frame from alanine 35.
Molecular consequence: frameshift variant. On other transcripts: 5 prime UTR variant (4).
Genome position (GRCh38, 1-based): chr1:243,270,136-243,270,137, AT deleted. VCF-style (leftmost placement, unchanged base first): chr1-243270135-CAT-C. GRCh37 (hg19) VCF-style: chr1-243433437-CAT-C.
Other names: c.-1014_-1013del (NM_001350246.2); c.-902_-901del (NM_001350247.2); c.99_100del, p.Ala35fs (NM_001350248.2); c.-196_-195del (NM_001350249.2); c.-1275_-1274del (NM_001350251.2); short protein forms A35fs.
Identifiers: ClinVar variation 1179068 (VCV001179068.5), dbSNP rs1033766338, ClinGen allele CA40409924.
Genomic context (GRCh38, chr1:243,270,135, plus strand): 5'-GTCCTAACTTTCGTCAGGTTGTTCTTGCAGAACATGCCAGCAGAAGCATTCACCAACTGA[CAT>C]GTGCCCTGAAAGAAGGCGATGTCACTATTGGAGAAGATGCACCAAATCTTTCTTTTAGCA-3'